The following is an entry in ClinVar:

ClinVar aggregate classification (germline): Likely pathogenic (1 of 4 stars; one submission).

Submission:

GeneDx
Classification: Likely pathogenic. Last evaluated: 2016-12-01. Review status: criteria provided, single submitter. Criteria: GeneDx Variant Classification (06012015). Collection method: clinical testing. Allele origin: germline. Affected: yes.
Comment: The c.7493_7497dupAGTTG variant in the PIEZO1 gene has not been reported previously as a pathogenic variant nor as a benign variant, to our knowledge. The c.7493_7497dupAGTTG variant causes a frameshift starting with codon Tyrosine 2500, changes this amino acid to a Serine residue, and creates a premature Stop codon at position 16 of the new reading frame, denoted p.Tyr2500SerfsX16. This variant is predicted to cause loss of normal protein function through protein truncation. The c.7493_7497dupAGTTG variant was not observed in approximately 2,300 individuals of European and African American ancestry in the NHLBI Exome Sequencing Project, indicating it is not a common benign variant in these populations. We interpret c.7493_7497dupAGTTG as a likely pathogenic variant.

NM_001142864.4(PIEZO1):c.7493_7497dup (p.Tyr2500fs)

Gene: PIEZO1 (piezo type mechanosensitive ion channel component 1; minus strand). Cytogenetic location: 16q24.3.
Variant type: Duplication.
Coding change: c.7493_7497dup on transcript NM_001142864.4 (MANE Select); coding-DNA positions 7493 to 7497, 5 bases duplicated (AGTTG; older notation c.7493_7497dupAGTTG).
Protein change: p.Tyr2500fs; shifts the reading frame from tyrosine 2500.
Molecular consequence: frameshift variant.
Genome position (GRCh38, 1-based): chr16:88,715,674-88,715,678, CAACT duplicated on the plus strand (AGTTG on the coding strand, the reverse complement: PIEZO1 is on the minus strand); duplicating any 5 consecutive bases within chr16:88,715,674-88,715,679 gives the same sequence; the c. name uses the placement nearest the transcript's 3' end. VCF-style (leftmost placement, unchanged base first): chr16-88715673-A-ACAACT. GRCh37 (hg19) VCF-style: chr16-88782081-A-ACAACT.
Other names: c.7493_7497dup, p.Tyr2500fs (LRG_1137t1); short protein forms Y2500fs.
Identifiers: ClinVar variation 420219 (VCV000420219.2), dbSNP rs1555551738, ClinGen allele CA16620289.